The following is an entry in ClinVar:

NM_001130144.3(LTBP3):c.2100G>A (p.Val700=)

Gene: LTBP3 (latent transforming growth factor beta binding protein 3; minus strand). Cytogenetic location: 11q13.1.
Variant type: single nucleotide variant.
Coding change: c.2100G>A on transcript NM_001130144.3 (MANE Select); coding-DNA position 2100, G replaced by A.
Protein change: p.Val700=; no amino-acid change (valine 700 retained).
Molecular consequence: synonymous variant.
Genome position (GRCh38, 1-based): chr11:65,547,446, C>T on the plus strand (G>A on the coding strand, the complement: LTBP3 is on the minus strand). VCF-style: chr11-65547446-C-T. GRCh37 (hg19) VCF-style: chr11-65314917-C-T.
Other names: p.Val700=; c.1749G>A, p.Val583= (NM_001164266.1); c.2100G>A, p.Val700= (NM_021070.4).
Identifiers: ClinVar variation 1785908 (VCV001785908.8), dbSNP rs745481778, ClinGen allele CA6100749.

ClinVar aggregate classification (germline): Likely benign. Review status: criteria provided, multiple submitters, no conflicts (2 of 4 stars). 3 submissions from 3 submitters: Likely benign (3). Last evaluated 2025-10-02.

Conditions:
Inborn genetic diseases. Identifiers: MedGen C0950123, MeSH D030342.
Brachyolmia-amelogenesis imperfecta syndrome. Also called: PLATYSPONDYLY WITH AMELOGENESIS IMPERFECTA; Tooth agenesis, selective, 6; Dental anomalies and short stature. Identifiers: Orphanet 2899, MedGen C1832594, MONDO:0011018, OMIM 601216. Disease mechanism: loss of function.

Allele frequency attached by ClinVar (database versions not stated): ExAC 0.00001; gnomAD exomes 0.00002.

Submissions (3):

Mayo Clinic Laboratories, Mayo Clinic
Classification: Likely benign. Last evaluated: 2025-10-02. Review status: criteria provided, single submitter. Criteria: ACMG Guidelines, 2015. Collection method: clinical testing. Allele origin: germline. Observed: 1 variant allele.
Comment: BP4, BP7

Labcorp Genetics (formerly Invitae), Labcorp
Classification: Likely benign for Brachyolmia-amelogenesis imperfecta syndrome. Last evaluated: 2025-02-07. Review status: criteria provided, single submitter. Criteria: Invitae Variant Classification Sherloc (09022015). Collection method: clinical testing. Allele origin: germline.

Ambry Genetics
Classification: Likely benign for Inborn genetic diseases. Last evaluated: 2019-12-15. Review status: criteria provided, single submitter. Criteria: Ambry Variant Classification Scheme 2023. Collection method: clinical testing. Allele origin: germline.